The following is an entry in ClinVar:

NM_015047.3(EMC1):c.1790del (p.Gly597fs)

Genes: EMC1 (ER membrane protein complex subunit 1; minus strand), EMC1-AS1 (EMC1 antisense RNA 1; plus strand). Cytogenetic location: 1p36.13.
Variant type: Deletion.
Coding change: c.1790del on transcript NM_015047.3 (MANE Select); coding-DNA position 1790, one base deleted (G; older notation c.1790delG).
Protein change: p.Gly597fs; shifts the reading frame from glycine 597.
Molecular consequence: frameshift variant.
Genome position (GRCh38, 1-based): chr1:19,231,415, C deleted on the plus strand (G on the coding strand, the reverse complement: EMC1 is on the minus strand); the first of 3 consecutive C bases (chr1:19,231,415-19,231,417); deleting any one gives the same sequence. VCF-style (leftmost placement, unchanged base first): chr1-19231414-TC-T. GRCh37 (hg19) VCF-style: chr1-19557908-TC-T.
Other names: c.1787del, p.Gly596fs (NM_001271427.2, NM_001271428.2); c.1724del, p.Gly575fs (NM_001271429.2); c.1799del, p.Gly600fs (NM_001375820.1); c.1796del, p.Gly599fs (NM_001375821.1); short protein forms G575fs, G596fs, G597fs, G599fs, G600fs.
Identifiers: ClinVar variation 1052500 (VCV001052500.7), dbSNP rs2151947953, ClinGen allele CA2499214353.

ClinVar aggregate classification (germline): Pathogenic (1 of 4 stars; one submission).

Submission:

Labcorp Genetics (formerly Invitae), Labcorp
Classification: Pathogenic. Last evaluated: 2022-03-10. Review status: criteria provided, single submitter. Criteria: Invitae Variant Classification Sherloc (09022015). Collection method: clinical testing. Allele origin: germline.
Comment: For these reasons, this variant has been classified as Pathogenic. Algorithms developed to predict the effect of sequence changes on RNA splicing suggest that this variant may create or strengthen a splice site. ClinVar contains an entry for this variant (Variation ID: 1052500). This variant has not been reported in the literature in individuals affected with EMC1-related conditions. This variant is not present in population databases (gnomAD no frequency). This sequence change creates a premature translational stop signal (p.Gly597Glufs*2) in the EMC1 gene. It is expected to result in an absent or disrupted protein product. Loss-of-function variants in EMC1 are known to be pathogenic (PMID: 26572623, 26942288, 29271071).

Literature cited by the submitters: PubMed 26572623; PubMed 26942288; PubMed 29271071.